The following is an entry in ClinVar:

ClinVar aggregate classification (germline): Conflicting classifications of pathogenicity. Review status: criteria provided, conflicting classifications (1 of 4 stars). 4 submissions from 4 submitters: Uncertain significance (3); Likely benign (1). Last evaluated 2024-04-22.

Conditions:
Hereditary cancer-predisposing syndrome. Also called: Tumor predisposition; Hereditary Cancer Syndrome; Neoplastic Syndromes, Hereditary; Hereditary neoplastic syndrome. Identifiers: Orphanet 140162, MedGen C0027672, MeSH D009386, MONDO:0015356.
Hereditary breast ovarian cancer syndrome. Also called: BRCA1- and BRCA2-Associated Hereditary Breast and Ovarian Cancer; Hereditary breast and ovarian cancer syndrome; Hereditary breast and ovarian cancer; Hereditary breast and ovarian cancer syndrome (HBOC); Hereditary breast and/or ovarian cancer syndrome; Breast and ovarian cancer. Identifiers: Orphanet 145, MedGen C0677776, MeSH D061325, MONDO:0003582. Disease mechanism: loss of function.

Submissions (4):

Labcorp Genetics (formerly Invitae), Labcorp
Classification: Uncertain significance for Hereditary breast ovarian cancer syndrome. Last evaluated: 2024-04-22. Review status: criteria provided, single submitter. Criteria: Invitae Variant Classification Sherloc (09022015). Collection method: clinical testing. Allele origin: germline.
Comment: This sequence change replaces serine, which is neutral and polar, with cysteine, which is neutral and slightly polar, at codon 677 of the BRCA2 protein (p.Ser677Cys). This variant is not present in population databases (gnomAD no frequency). This variant has not been reported in the literature in individuals affected with BRCA2-related conditions. ClinVar contains an entry for this variant (Variation ID: 627799). Advanced modeling of protein sequence and biophysical properties (such as structural, functional, and spatial information, amino acid conservation, physicochemical variation, residue mobility, and thermodynamic stability) performed at Invitae indicates that this missense variant is not expected to disrupt BRCA2 protein function with a negative predictive value of 95%. In summary, the available evidence is currently insufficient to determine the role of this variant in disease. Therefore, it has been classified as a Variant of Uncertain Significance.

University of Washington Department of Laboratory Medicine, University of Washington
Classification: Likely benign for Hereditary cancer-predisposing syndrome. Last evaluated: 2023-03-23. Review status: criteria provided, single submitter. Criteria: Dines et al. (Genet Med. 2020). Collection method: curation. Allele origin: germline.
Comment: Missense variant in a coldspot region where missense variants are very unlikely to be pathogenic (PMID:31911673).

BRCA2 exon 11 coldspot. Reclassification based on statistical prior probability.

GeneDx
Classification: Uncertain significance. Last evaluated: 2022-05-13. Review status: criteria provided, single submitter. Criteria: GeneDx Variant Classification Process June 2021. Collection method: clinical testing. Allele origin: germline. Affected: yes.
Comment: Not observed at significant frequency in large population cohorts (gnomAD); In silico analysis supports that this missense variant does not alter protein structure/function; Has not been previously published as pathogenic or benign to our knowledge; Also known as 2258C>G

Color Diagnostics, LLC DBA Color Health
Classification: Uncertain significance for Hereditary cancer-predisposing syndrome. Last evaluated: 2019-05-23. Review status: criteria provided, single submitter. Criteria: ACMG Guidelines, 2015. Collection method: clinical testing. Allele origin: germline.

NM_000059.4(BRCA2):c.2030C>G (p.Ser677Cys)

Gene: BRCA2 (BRCA2 DNA repair associated; plus strand). Cytogenetic location: 13q13.1.
Variant type: single nucleotide variant.
Coding change: c.2030C>G on transcript NM_000059.4 (MANE Select); coding-DNA position 2030, C replaced by G.
Protein change: p.Ser677Cys; replaces serine 677 with cysteine.
Molecular consequence: missense variant.
Genome position (GRCh38, 1-based): chr13:32,336,385, C>G. VCF-style: chr13-32336385-C-G. GRCh37 (hg19) VCF-style: chr13-32910522-C-G.
Other names: short protein forms S677C.
Identifiers: ClinVar variation 627799 (VCV000627799.12), dbSNP rs1555282410, ClinGen allele CA387768874.